The following is an entry in ClinVar:

ClinVar aggregate classification (germline): Benign/Likely benign. Review status: criteria provided, multiple submitters, no conflicts (2 of 4 stars). 2 submissions from 2 submitters: Benign (1); Likely benign (1). Last evaluated 2025-07-08.

Conditions:
Tuberous sclerosis 2 (TSC2). Identifiers: Orphanet 805, MedGen C1860707, MONDO:0013199, OMIM 613254.

Submissions (2):

Labcorp Genetics (formerly Invitae), Labcorp
Classification: Likely benign for Tuberous sclerosis 2. Last evaluated: 2025-07-08. Review status: criteria provided, single submitter. Criteria: Invitae Variant Classification Sherloc (09022015). Collection method: clinical testing. Allele origin: germline.

Myriad Genetics, Inc.
Classification: Benign for Tuberous sclerosis 2. Last evaluated: 2025-05-15. Review status: criteria provided, single submitter. Criteria: Myriad Autosomal Dominant, Autosomal Recessive and X-Linked Classification Criteria (2023). Collection method: clinical testing. Allele origin: unknown.
Comment: This variant is considered benign. This variant is a silent/synonymous amino acid change and it is not expected to impact splicing.

NM_000548.5(TSC2):c.1773C>T (p.Val591=)

Gene: TSC2 (TSC complex subunit 2; plus strand). Cytogenetic location: 16p13.3.
Variant type: single nucleotide variant.
Coding change: c.1773C>T on transcript NM_000548.5 (MANE Select); coding-DNA position 1773, C replaced by T.
Protein change: p.Val591=; no amino-acid change (valine 591 retained).
Molecular consequence: synonymous variant.
Genome position (GRCh38, 1-based): chr16:2,070,512, C>T. VCF-style: chr16-2070512-C-T. GRCh37 (hg19) VCF-style: chr16-2120513-C-T.
Other names: c.1773C>T, p.Val591= (NM_001077183.3, NM_001114382.3, NM_001363528.2 and 3 more transcripts); c.1662C>T, p.Val554= (NM_001318827.2); c.1626C>T, p.Val542= (NM_001318829.2); c.1173C>T, p.Val391= (NM_001318831.2); c.1806C>T, p.Val602= (NM_001318832.2).
Identifiers: ClinVar variation 797746 (VCV000797746.11), dbSNP rs1596336485, ClinGen allele CA492949762.